The following is an entry in ClinVar:

NM_005228.5(EGFR):c.3334A>C (p.Asn1112His)

Gene: EGFR (epidermal growth factor receptor; plus strand). Cytogenetic location: 7p11.2.
Variant type: single nucleotide variant.
Coding change: c.3334A>C on transcript NM_005228.5 (MANE Select); coding-DNA position 3334, A replaced by C.
Protein change: p.Asn1112His; replaces asparagine 1112 with histidine.
Molecular consequence: missense variant.
Genome position (GRCh38, 1-based): chr7:55,205,318, A>C. VCF-style: chr7-55205318-A-C. GRCh37 (hg19) VCF-style: chr7-55273011-A-C.
Other names: c.3334A>C (NM_005228.3); c.3199A>C, p.Asn1067His (NM_001346899.2); c.3175A>C, p.Asn1059His (NM_001346900.2); c.2533A>C, p.Asn845His (NM_001346941.2); short protein forms N1067H, N845H, N1059H, N1112H.
Identifiers: ClinVar variation 1379769 (VCV001379769.7), dbSNP rs369498625, ClinGen allele CA4266380.
Genomic context (GRCh38, chr7:55,205,318, plus strand): 5'-TACATAAACCAGTCCGTTCCCAAAAGGCCCGCTGGCTCTGTGCAGAATCCTGTCTATCAC[A>C]ATCAGCCTCTGAACCCCGCGCCCAGCAGAGACCCACACTACCAGGACCCCCACAGCACTG-3'
Protein context (NP_005219.2, residues 1102-1122): AGSVQNPVYH[Asn1112His]QPLNPAPSRD

ClinVar aggregate classification (germline): Uncertain significance. Review status: criteria provided, multiple submitters, no conflicts (2 of 4 stars). 2 submissions from 2 submitters: Uncertain significance (2). Last evaluated 2025-06-12.

Conditions:
Hereditary cancer-predisposing syndrome. Also called: Neoplastic Syndromes, Hereditary; Hereditary Cancer Syndrome; Tumor predisposition; Hereditary neoplastic syndrome. Identifiers: Orphanet 140162, MedGen C0027672, MeSH D009386, MONDO:0015356.
EGFR-related lung cancer (EGFR). Identifiers: MedGen CN130014.

Allele frequency attached by ClinVar (database versions not stated): gnomAD exomes below 0.00001 and 0.00001; ExAC 0.00001; TOPMed 0.00001; ESP Exome Variant Server 0.00008.
gnomAD v4.1: 3 of 1,612,420 alleles (0.00019%); highest among the groups gnomAD compares: Non-Finnish European, 0.00025%; no homozygotes.

Submissions (2):

Ambry Genetics
Classification: Uncertain significance for Hereditary cancer-predisposing syndrome. Last evaluated: 2025-06-12. Review status: criteria provided, single submitter. Criteria: Ambry Variant Classification Scheme 2023. Collection method: clinical testing. Allele origin: germline.
Comment: The p.N1112H variant (also known as c.3334A>C), located in coding exon 28 of the EGFR gene, results from an A to C substitution at nucleotide position 3334. The asparagine at codon 1112 is replaced by histidine, an amino acid with similar properties. This amino acid position is conserved. In addition, this alteration is predicted to be tolerated by in silico analysis. Based on the available evidence, the clinical significance of this variant remains unclear.

Labcorp Genetics (formerly Invitae), Labcorp
Classification: Uncertain significance for EGFR-related lung cancer. Last evaluated: 2024-08-06. Review status: criteria provided, single submitter. Criteria: Invitae Variant Classification Sherloc (09022015). Collection method: clinical testing. Allele origin: germline.
Comment: This sequence change replaces asparagine, which is neutral and polar, with histidine, which is basic and polar, at codon 1112 of the EGFR protein (p.Asn1112His). This variant is present in population databases (rs369498625, gnomAD 0.0009%). This variant has not been reported in the literature in individuals affected with EGFR-related conditions. ClinVar contains an entry for this variant (Variation ID: 1379769). An algorithm developed to predict the effect of missense changes on protein structure and function (PolyPhen-2) suggests that this variant is likely to be disruptive. In summary, the available evidence is currently insufficient to determine the role of this variant in disease. Therefore, it has been classified as a Variant of Uncertain Significance.